The following is an entry in ClinVar:

NM_001134831.2(AHI1):c.3181G>A (p.Asp1061Asn)

Gene: AHI1 (Abelson helper integration site 1; minus strand). Cytogenetic location: 6q23.3.
Variant type: single nucleotide variant.
Coding change: c.3181G>A on transcript NM_001134831.2 (MANE Select); coding-DNA position 3181, G replaced by A.
Protein change: p.Asp1061Asn; replaces aspartic acid 1061 with asparagine.
Molecular consequence: missense variant.
Genome position (GRCh38, 1-based): chr6:135,323,309, C>T on the plus strand (G>A on the coding strand, the complement: AHI1 is on the minus strand). VCF-style: chr6-135323309-C-T. GRCh37 (hg19) VCF-style: chr6-135644447-C-T.
Other names: c.3181G>A, p.Asp1061Asn (NM_001134830.2, NM_001350503.2, NM_001350504.2 and 1 more transcripts); short protein forms D1061N.
Identifiers: ClinVar variation 1484434 (VCV001484434.8), dbSNP rs2128384823, ClinGen allele CA365845839.
Genomic context (GRCh38, chr6:135,323,309, plus strand): 5'-ACACTCGGATAATGTCTCCGCGATGGATGGTTAGTTCATCTGATCGATTCGCTGTGTAGT[C>T]ATAAAGAGCCACTACCTAAGAGAGAGATAAGACCACCACAGCTTTATCACAACTGTACCA-3'
Protein context (NP_001128303.1, residues 1051-1071): DTAPTVVALY[Asp1061Asn]YTANRSDELT

ClinVar aggregate classification (germline): Uncertain significance (1 of 4 stars; one submission).

Conditions:
Joubert syndrome. Also called: CEREBELLOPARENCHYMAL DISORDER IV; JOUBERT-BOLTSHAUSER SYNDROME; Familial aplasia of the vermis. Identifiers: Orphanet 475, MedGen C5979921, MONDO:0018772.

Submission:

Labcorp Genetics (formerly Invitae), Labcorp
Classification: Uncertain significance for Joubert syndrome. Last evaluated: 2024-02-17. Review status: criteria provided, single submitter. Criteria: Invitae Variant Classification Sherloc (09022015). Collection method: clinical testing. Allele origin: germline.
Comment: This sequence change replaces aspartic acid, which is acidic and polar, with asparagine, which is neutral and polar, at codon 1061 of the AHI1 protein (p.Asp1061Asn). This variant is not present in population databases (gnomAD no frequency). This variant has not been reported in the literature in individuals affected with AHI1-related conditions. ClinVar contains an entry for this variant (Variation ID: 1484434). Advanced modeling of protein sequence and biophysical properties (such as structural, functional, and spatial information, amino acid conservation, physicochemical variation, residue mobility, and thermodynamic stability) performed at Invitae indicates that this missense variant is not expected to disrupt AHI1 protein function with a negative predictive value of 95%. In summary, the available evidence is currently insufficient to determine the role of this variant in disease. Therefore, it has been classified as a Variant of Uncertain Significance.